The following is an entry in ClinVar:

NM_000552.5(VWF):c.4490T>C (p.Leu1497Pro)

Gene: VWF (von Willebrand factor; minus strand). Cytogenetic location: 12p13.31.
Variant type: single nucleotide variant.
Coding change: c.4490T>C on transcript NM_000552.5 (MANE Select); coding-DNA position 4490, T replaced by C.
Protein change: p.Leu1497Pro; replaces leucine 1497 with proline.
Molecular consequence: missense variant.
Genome position (GRCh38, 1-based): chr12:6,018,928, A>G on the plus strand (T>C on the coding strand, the complement: VWF is on the minus strand). VCF-style: chr12-6018928-A-G. GRCh37 (hg19) VCF-style: chr12-6128094-A-G.
Other names: short protein forms L1497P.
Identifiers: ClinVar variation 4997329 (VCV004997329.1).

ClinVar aggregate classification (germline): Uncertain significance (1 of 4 stars; one submission).

Conditions:
VWF-related disorder. Also called: VWF-related disorders; VWF-related condition.

Submission:

PreventionGenetics, part of Exact Sciences
Classification: Uncertain significance for VWF-related condition. Last evaluated: 2024-10-23. Review status: criteria provided, single submitter. Criteria: ACMG Guidelines, 2015. Collection method: clinical testing. Allele origin: germline.
Comment: The VWF c.4490T>C variant is predicted to result in the amino acid substitution p.Leu1497Pro. To our knowledge, this variant has not been reported in the literature or in a large population database (gnomAD), indicating this variant is rare. At this time, the clinical significance of this variant is uncertain due to the absence of conclusive functional and genetic evidence.